The following is an entry in ClinVar:

ClinVar aggregate classification (germline): Uncertain significance. Review status: criteria provided, multiple submitters, no conflicts (2 of 4 stars). 3 submissions from 3 submitters: Uncertain significance (3). Last evaluated 2025-04-09.

Conditions:
Inborn genetic diseases. Identifiers: MedGen C0950123, MeSH D030342.

Allele frequency attached by ClinVar (database versions not stated): TOPMed 0.00001.
gnomAD v4.1: 4 of 1,614,106 alleles (0.00025%); highest among the groups gnomAD compares: Admixed American, 0.005%; no homozygotes.

Submissions (3):

Ambry Genetics
Classification: Uncertain significance for Inborn genetic diseases. Last evaluated: 2025-04-09. Review status: criteria provided, single submitter. Criteria: Ambry Variant Classification Scheme 2023. Collection method: clinical testing. Allele origin: germline.

Labcorp Genetics (formerly Invitae), Labcorp
Classification: Uncertain significance. Last evaluated: 2024-11-18. Review status: criteria provided, single submitter. Criteria: Invitae Variant Classification Sherloc (09022015). Collection method: clinical testing. Allele origin: germline.
Comment: This sequence change replaces serine, which is neutral and polar, with leucine, which is neutral and non-polar, at codon 202 of the RPIA protein (p.Ser202Leu). This variant is present in population databases (no rsID available, gnomAD 0.006%). This variant has not been reported in the literature in individuals affected with RPIA-related conditions. ClinVar contains an entry for this variant (Variation ID: 1972973). Invitae Evidence Modeling of protein sequence and biophysical properties (such as structural, functional, and spatial information, amino acid conservation, physicochemical variation, residue mobility, and thermodynamic stability) indicates that this missense variant is expected to disrupt RPIA protein function with a positive predictive value of 80%. In summary, the available evidence is currently insufficient to determine the role of this variant in disease. Therefore, it has been classified as a Variant of Uncertain Significance.

GeneDx
Classification: Uncertain significance. Last evaluated: 2023-11-02. Review status: criteria provided, single submitter. Criteria: GeneDx Variant Classification Process June 2021. Collection method: clinical testing. Allele origin: germline. Affected: yes.
Comment: In silico analysis supports that this missense variant has a deleterious effect on protein structure/function; Has not been previously published as pathogenic or benign to our knowledge

NM_144563.3(RPIA):c.605C>T (p.Ser202Leu)

Gene: RPIA (ribose 5-phosphate isomerase A; plus strand). Cytogenetic location: 2p11.2.
Variant type: single nucleotide variant.
Coding change: c.605C>T on transcript NM_144563.3 (MANE Select); coding-DNA position 605, C replaced by T.
Protein change: p.Ser202Leu; replaces serine 202 with leucine.
Molecular consequence: missense variant.
Genome position (GRCh38, 1-based): chr2:88,736,543, C>T. VCF-style: chr2-88736543-C-T. GRCh37 (hg19) VCF-style: chr2-89036060-C-T.
Other names: c.605C>T (NM_144563.2); short protein forms S202L.
Identifiers: ClinVar variation 1972973 (VCV001972973.5), dbSNP rs1383580031, ClinGen allele CA347588717.